The following is an entry in ClinVar:

ClinVar aggregate classification (germline): Conflicting classifications of pathogenicity. Review status: criteria provided, conflicting classifications (1 of 4 stars). 2 submissions from 2 submitters: Pathogenic (1); Uncertain significance (1). Last evaluated 2025-10-13.

Conditions:
Hereditary cancer-predisposing syndrome. Also called: Tumor predisposition; Hereditary neoplastic syndrome; Neoplastic Syndromes, Hereditary; Hereditary Cancer Syndrome. Identifiers: Orphanet 140162, MedGen C0027672, MeSH D009386, MONDO:0015356.

Allele frequency attached by ClinVar (database versions not stated): gnomAD exomes below 0.00001 and 0.00001; ExAC 0.00002.
gnomAD v4.1: 2 of 1,614,064 alleles (0.00012%); highest among the groups gnomAD compares: Non-Finnish European, 0.00017%; no homozygotes.

Submissions (2):

Labcorp Genetics (formerly Invitae), Labcorp
Classification: Pathogenic. Last evaluated: 2025-10-13. Review status: criteria provided, single submitter. Criteria: Invitae Variant Classification Sherloc (09022015). Collection method: clinical testing. Allele origin: germline.
Comment: This sequence change creates a premature translational stop signal (p.Gln1569*) in the POLE gene. It is expected to result in an absent or disrupted protein product. Loss-of-function variants in POLE are known to be pathogenic (PMID: 23230001, 25948378, 30503519). This variant is present in population databases (rs778914414, gnomAD 0.002%). This variant has not been reported in the literature in individuals affected with POLE-related conditions. ClinVar contains an entry for this variant (Variation ID: 856571). For these reasons, this variant has been classified as Pathogenic.

Ambry Genetics
Classification: Uncertain significance for Hereditary cancer-predisposing syndrome. Last evaluated: 2025-09-04. Review status: criteria provided, single submitter. Criteria: Ambry Variant Classification Scheme 2023. Collection method: clinical testing. Allele origin: germline.
Comment: The p.Q1569* variant (also known as c.4705C>T), located in coding exon 36 of the POLE gene, results from a C to T substitution at nucleotide position 4705. This changes the amino acid from a glutamine to a stop codon within coding exon 36. This alteration is expected to result in loss of function by premature protein truncation or nonsense-mediated mRNA decay. Although biallelic loss of function of POLE has been associated with autosomal recessive POLE deficiency, haploinsufficiency of POLE has not been established as a mechanism of disease for POLE-related polymerase proofreading-associated polyposis (PPAP) and POLE-related CMMRD-like syndrome. Based on the supporting evidence, this variant is expected to be causative of POLE deficiency when present along with a second pathogenic variant on the other allele; however, its clinical significance for PPAP and POLE-related CMMRD-like syndrome is unclear.

Literature cited by the submitters: PubMed 23230001 (cited by Labcorp Genetics (formerly Invitae), Labcorp); PubMed 25948378 (cited by Labcorp Genetics (formerly Invitae), Labcorp); PubMed 30503519 (cited by Labcorp Genetics (formerly Invitae), Labcorp).

NM_006231.4(POLE):c.4705C>T (p.Gln1569Ter)

Gene: POLE (DNA polymerase epsilon, catalytic subunit; minus strand). Cytogenetic location: 12q24.33.
Variant type: single nucleotide variant.
Coding change: c.4705C>T on transcript NM_006231.4 (MANE Select); coding-DNA position 4705, C replaced by T.
Protein change: p.Gln1569Ter; replaces glutamine 1569 with a stop codon.
Molecular consequence: nonsense.
Genome position (GRCh38, 1-based): chr12:132,642,843, G>A on the plus strand (C>T on the coding strand, the complement: POLE is on the minus strand). VCF-style: chr12-132642843-G-A. GRCh37 (hg19) VCF-style: chr12-133219429-G-A.
Other names: c.4705C>T (NM_006231.2); short protein forms Q1569*.
Identifiers: ClinVar variation 856571 (VCV000856571.10), dbSNP rs778914414, ClinGen allele CA6892741.